The following is an entry in ClinVar:

ClinVar aggregate classification (germline): Benign (1 of 4 stars; one submission).

Allele frequency attached by ClinVar (database versions not stated): gnomAD 0.00280; 1000 Genomes Project 30x 0.00281; 1000 Genomes Project 0.00319; TOPMed 0.00067.

Submission:

CeGaT Center for Human Genetics Tuebingen
Classification: Benign. Last evaluated: 2023-05-01. Review status: criteria provided, single submitter. Criteria: CeGaT Center For Human Genetics Tuebingen Variant Classification Criteria Version 2. Collection method: clinical testing. Allele origin: germline. Affected: yes. Observed: 2 variant alleles.
Comment: CC2D2A: BS1, BS2

NM_001378615.1(CC2D2A):c.2003+720G>A

Genes: CC2D2A (coiled-coil and C2 domain containing 2A; plus strand), FBXL5 (F-box and leucine rich repeat protein 5; minus strand). Cytogenetic location: 4p15.32.
Variant type: single nucleotide variant.
Coding change: c.2003+720G>A on transcript NM_001378615.1 (MANE Select); 720 bases into the intron after coding-DNA position 2003, G replaced by A.
Molecular consequence: intron variant.
Genome position (GRCh38, 1-based): chr4:15,538,857, G>A. VCF-style: chr4-15538857-G-A. GRCh37 (hg19) VCF-style: chr4-15540480-G-A.
Other names: c.2003+720G>A (NM_001080522.2); c.1856+720G>A (NM_001378617.1).
Identifiers: ClinVar variation 2654683 (VCV002654683.24), dbSNP rs118128075, ClinGen allele CA92532086.